The following is an entry in ClinVar:

NM_004999.4(MYO6):c.2416+2T>C

Gene: MYO6 (myosin VI; plus strand). Cytogenetic location: 6q14.1.
Variant type: single nucleotide variant.
Coding change: c.2416+2T>C on transcript NM_004999.4 (MANE Select); the canonical splice donor site of the intron after coding-DNA position 2416, T replaced by C.
Molecular consequence: splice donor variant.
Genome position (GRCh38, 1-based): chr6:75,881,820, T>C. VCF-style: chr6-75881820-T-C. GRCh37 (hg19) VCF-style: chr6-76591537-T-C.
Other names: c.2416+2T>C (NM_001368865.1, NM_001368866.1, NM_001368137.1 and 2 more transcripts); c.2401+2T>C (NM_001368138.1).
Identifiers: ClinVar variation 2429058 (VCV002429058.4), dbSNP rs2535510209, ClinGen allele CA364774582.

ClinVar aggregate classification (germline): Likely pathogenic (1 of 4 stars; one submission).

Conditions:
Autosomal recessive nonsyndromic hearing loss 37. Identifiers: Orphanet 90636, MedGen C1843028, MONDO:0011912, OMIM 607821.

Allele frequency attached by ClinVar (database versions not stated): gnomAD exomes below 0.00001.
gnomAD v4.1: 1 of 1,613,516 alleles (0.000062%); highest among the groups gnomAD compares: Non-Finnish European, 0.000085%; no homozygotes.

Submission:

Greenwood Genetic Center Diagnostic Laboratories, Greenwood Genetic Center
Classification: Likely pathogenic for Autosomal recessive nonsyndromic hearing loss 37. Last evaluated: 2022-10-10. Review status: criteria provided, single submitter. Criteria: ACMG Guidelines, 2015. Collection method: clinical testing. Allele origin: germline. Affected: yes.
Comment: PVS1, PM2